The following is an entry in ClinVar:

ClinVar aggregate classification (germline): Conflicting classifications of pathogenicity. Review status: criteria provided, conflicting classifications (1 of 4 stars). 2 submissions from 2 submitters: Pathogenic (1); Uncertain significance (1). Last evaluated 2026-02-05.

Conditions:
Hereditary cancer-predisposing syndrome. Also called: Neoplastic Syndromes, Hereditary; Hereditary neoplastic syndrome; Tumor predisposition; Hereditary Cancer Syndrome. Identifiers: Orphanet 140162, MedGen C0027672, MeSH D009386, MONDO:0015356.

Allele frequency attached by ClinVar (database versions not stated): gnomAD exomes below 0.00001; TOPMed 0.00002.
gnomAD v4.1: 1 of 1,612,226 alleles (0.000062%); highest among the groups gnomAD compares: African/African-American, 0.0013%; no homozygotes.

Submissions (2):

Ambry Genetics
Classification: Uncertain significance for Hereditary cancer-predisposing syndrome. Last evaluated: 2026-02-05. Review status: criteria provided, single submitter. Criteria: Ambry Variant Classification Scheme 2023. Collection method: clinical testing. Allele origin: germline.
Comment: The p.W1271* variant (also known as c.3813G>A), located in coding exon 31 of the POLE gene, results from a G to A substitution at nucleotide position 3813. This changes the amino acid from a tryptophan to a stop codon within coding exon 31. This alteration is expected to result in loss of function by premature protein truncation or nonsense-mediated mRNA decay. Although biallelic loss of function of POLE has been associated with autosomal recessive POLE deficiency, haploinsufficiency of POLE has not been established as a mechanism of disease for POLE-related polymerase proofreading-associated polyposis (PPAP) and POLE-related CMMRD-like syndrome. Based on the supporting evidence, this variant is expected to be causative of POLE deficiency when present along with a second pathogenic variant on the other allele; however, its clinical significance for PPAP and POLE-related CMMRD-like syndrome is unclear.

Labcorp Genetics (formerly Invitae), Labcorp
Classification: Pathogenic. Last evaluated: 2025-12-06. Review status: criteria provided, single submitter. Criteria: Invitae Variant Classification Sherloc (09022015). Collection method: clinical testing. Allele origin: germline.
Comment: This sequence change creates a premature translational stop signal (p.Trp1271*) in the POLE gene. It is expected to result in an absent or disrupted protein product. Loss-of-function variants in POLE are known to be pathogenic (PMID: 23230001, 25948378, 30503519). This variant is not present in population databases (gnomAD no frequency). This variant has not been reported in the literature in individuals affected with POLE-related conditions. ClinVar contains an entry for this variant (Variation ID: 569651). For these reasons, this variant has been classified as Pathogenic.

Literature cited by the submitters: PubMed 23230001 (cited by Labcorp Genetics (formerly Invitae), Labcorp); PubMed 25948378 (cited by Labcorp Genetics (formerly Invitae), Labcorp); PubMed 30503519 (cited by Labcorp Genetics (formerly Invitae), Labcorp).

NM_006231.4(POLE):c.3813G>A (p.Trp1271Ter)

Gene: POLE (DNA polymerase epsilon, catalytic subunit; minus strand). Cytogenetic location: 12q24.33.
Variant type: single nucleotide variant.
Coding change: c.3813G>A on transcript NM_006231.4 (MANE Select); coding-DNA position 3813, G replaced by A.
Protein change: p.Trp1271Ter; replaces tryptophan 1271 with a stop codon.
Molecular consequence: nonsense.
Genome position (GRCh38, 1-based): chr12:132,649,498, C>T on the plus strand (G>A on the coding strand, the complement: POLE is on the minus strand). VCF-style: chr12-132649498-C-T. GRCh37 (hg19) VCF-style: chr12-133226084-C-T.
Other names: short protein forms W1271*.
Identifiers: ClinVar variation 569651 (VCV000569651.14), dbSNP rs1274554341, ClinGen allele CA387385643.